The following is an entry in ClinVar:

NM_000245.4(MET):c.3117C>A (p.Asp1039Glu)

Gene: MET (MET proto-oncogene, receptor tyrosine kinase; plus strand). Cytogenetic location: 7q31.2.
Variant type: single nucleotide variant.
Coding change: c.3117C>A on transcript NM_000245.4 (MANE Select); coding-DNA position 3117, C replaced by A.
Protein change: p.Asp1039Glu; replaces aspartic acid 1039 with glutamic acid.
Molecular consequence: missense variant.
Genome position (GRCh38, 1-based): chr7:116,774,969, C>A. VCF-style: chr7-116774969-C-A. GRCh37 (hg19) VCF-style: chr7-116415023-C-A.
Other names: c.3171C>A, p.Asp1057Glu (NM_001127500.3); c.1827C>A, p.Asp609Glu (NM_001324402.2); short protein forms D1057E, D1039E, D609E.
Identifiers: ClinVar variation 823065 (VCV000823065.15), dbSNP rs575907920, ClinGen allele CA4448655.

ClinVar aggregate classification (germline): Uncertain significance. Review status: criteria provided, multiple submitters, no conflicts (2 of 4 stars). 2 submissions from 2 submitters: Uncertain significance (2). Last evaluated 2025-05-05.

Conditions:
Hereditary cancer-predisposing syndrome. Also called: Tumor predisposition; Hereditary Cancer Syndrome; Neoplastic Syndromes, Hereditary; Hereditary neoplastic syndrome. Identifiers: Orphanet 140162, MedGen C0027672, MeSH D009386, MONDO:0015356.
Renal cell carcinoma. Identifiers: Orphanet 217071, MedGen C0007134, MeSH D002292, MONDO:0005086, HP:0005584.

Allele frequency attached by ClinVar (database versions not stated): gnomAD exomes below 0.00001; ExAC 0.00001; gnomAD 0.00001; 1000 Genomes Project 0.00020; 1000 Genomes Project 30x 0.00031.
gnomAD v4.1: 1 of 1,614,136 alleles (0.000062%); highest among the groups gnomAD compares: East Asian, 0.0022%; no homozygotes.

Submissions (2):

Ambry Genetics
Classification: Uncertain significance for Hereditary cancer-predisposing syndrome. Last evaluated: 2025-05-05. Review status: criteria provided, single submitter. Criteria: Ambry Variant Classification Scheme 2023. Collection method: clinical testing. Allele origin: germline.
Comment: The p.D1057E variant (also known as c.3171C>A), located in coding exon 14 of the MET gene, results from a C to A substitution at nucleotide position 3171. The aspartic acid at codon 1057 is replaced by glutamic acid, an amino acid with highly similar properties. This amino acid position is well conserved in available vertebrate species. In addition, this alteration is predicted to be tolerated by in silico analysis. Since supporting evidence is limited at this time, the clinical significance of this alteration remains unclear.

Labcorp Genetics (formerly Invitae), Labcorp
Classification: Uncertain significance for Renal cell carcinoma. Last evaluated: 2022-03-19. Review status: criteria provided, single submitter. Criteria: Invitae Variant Classification Sherloc (09022015). Collection method: clinical testing. Allele origin: germline.
Comment: In summary, the available evidence is currently insufficient to determine the role of this variant in disease. Therefore, it has been classified as a Variant of Uncertain Significance. Algorithms developed to predict the effect of missense changes on protein structure and function are either unavailable or do not agree on the potential impact of this missense change (SIFT: "Tolerated"; PolyPhen-2: "Probably Damaging"; Align-GVGD: "Class C0"). ClinVar contains an entry for this variant (Variation ID: 823065). This variant has not been reported in the literature in individuals affected with MET-related conditions. This variant is not present in population databases (gnomAD no frequency). This sequence change replaces aspartic acid, which is acidic and polar, with glutamic acid, which is acidic and polar, at codon 1057 of the MET protein (p.Asp1057Glu).